The following is an entry in ClinVar:

NM_003680.4(YARS1):c.1574G>A (p.Gly525Glu)

Gene: YARS1 (tyrosyl-tRNA synthetase 1; minus strand). Cytogenetic location: 1p35.1.
Variant type: single nucleotide variant.
Coding change: c.1574G>A on transcript NM_003680.4 (MANE Select); coding-DNA position 1574, G replaced by A.
Protein change: p.Gly525Glu; replaces glycine 525 with glutamic acid.
Molecular consequence: missense variant.
Genome position (GRCh38, 1-based): chr1:32,775,994, C>T on the plus strand (G>A on the coding strand, the complement: YARS1 is on the minus strand). VCF-style: chr1-32775994-C-T. GRCh37 (hg19) VCF-style: chr1-33241595-C-T.
Other names: short protein forms G525E.
Identifiers: ClinVar variation 860911 (VCV000860911.11), dbSNP rs774982567, ClinGen allele CA744855.

ClinVar aggregate classification (germline): Uncertain significance. Review status: criteria provided, multiple submitters, no conflicts (2 of 4 stars). 2 submissions from 2 submitters: Uncertain significance (2). Last evaluated 2023-07-07.

Conditions:
Charcot-Marie-Tooth disease dominant intermediate C (CMTDIC). Also called: CHARCOT-MARIE-TOOTH NEUROPATHY, DOMINANT INTERMEDIATE C. Identifiers: Orphanet 100045, MedGen C1842237, MONDO:0012012, OMIM 608323.
Inborn genetic diseases. Identifiers: MedGen C0950123, MeSH D030342.

Allele frequency attached by ClinVar (database versions not stated): gnomAD exomes below 0.00001 and 0.00001; TOPMed below 0.00001; ExAC 0.00001.
gnomAD v4.1: 16 of 1,614,040 alleles (0.00099%); highest among the groups gnomAD compares: African/African-American, 0.0013%; no homozygotes.

Submissions (2):

Labcorp Genetics (formerly Invitae), Labcorp
Classification: Uncertain significance for Charcot-Marie-Tooth disease dominant intermediate C. Last evaluated: 2023-07-07. Review status: criteria provided, single submitter. Criteria: Invitae Variant Classification Sherloc (09022015). Collection method: clinical testing. Allele origin: germline.
Comment: Advanced modeling of protein sequence and biophysical properties (such as structural, functional, and spatial information, amino acid conservation, physicochemical variation, residue mobility, and thermodynamic stability) performed at Invitae indicates that this missense variant is not expected to disrupt YARS protein function. ClinVar contains an entry for this variant (Variation ID: 860911). This missense change has been observed in individual(s) with Charcot-Marie-Tooth disease (Invitae). This variant is present in population databases (rs774982567, gnomAD 0.007%). This sequence change replaces glycine with glutamic acid at codon 525 of the YARS protein (p.Gly525Glu). The glycine residue is highly conserved and there is a moderate physicochemical difference between glycine and glutamic acid. In summary, the available evidence is currently insufficient to determine the role of this variant in disease. Therefore, it has been classified as a Variant of Uncertain Significance.

Ambry Genetics
Classification: Uncertain significance for Inborn genetic diseases. Last evaluated: 2020-10-05. Review status: criteria provided, single submitter. Criteria: Ambry Variant Classification Scheme 2023. Collection method: clinical testing. Allele origin: germline.
Comment: The p.G525E variant (also known as c.1574G>A), located in coding exon 13 of the YARS gene, results from a G to A substitution at nucleotide position 1574. The glycine at codon 525 is replaced by glutamic acid, an amino acid with similar properties. This amino acid position is highly conserved in available vertebrate species. In addition, the in silico prediction for this alteration is inconclusive. Since supporting evidence is limited at this time, the clinical significance of this alteration remains unclear.